The following is an entry in ClinVar:

NM_007294.4(BRCA1):c.3598C>G (p.Gln1200Glu)

Genes: BRCA1 (BRCA1 DNA repair associated; minus strand), LOC126862571 (BRD4-independent group 4 enhancer GRCh37_chr17:41243136-41244335; plus strand). Cytogenetic location: 17q21.31.
Variant type: single nucleotide variant.
Coding change: c.3598C>G on transcript NM_007294.4 (MANE Select); coding-DNA position 3598, C replaced by G.
Protein change: p.Gln1200Glu; replaces glutamine 1200 with glutamic acid.
Molecular consequence: missense variant. On other transcripts: intron variant (135).
Genome position (GRCh38, 1-based): chr17:43,091,933, G>C on the plus strand (C>G on the coding strand, the complement: BRCA1 is on the minus strand). VCF-style: chr17-43091933-G-C. GRCh37 (hg19) VCF-style: chr17-41243950-G-C.
Other names: c.788-901C>G (NM_007298.4, NM_001407978.1, NM_001407979.1 and 17 more transcripts); c.3598C>G, p.Gln1200Glu (NM_001407616.1, NM_001407617.1, NM_001407618.1 and 30 more transcripts); c.644-901C>G (NM_001408462.1, NM_001408470.1, NM_001408464.1 and 3 more transcripts); c.710-901C>G (NM_001408414.1, NM_001408411.1, NM_001408415.1 and 2 more transcripts); c.578-901C>G (NM_001408514.1, NM_001408485.1, NM_001408483.1 and 9 more transcripts); c.662-901C>G (NM_001408447.1, NM_001408433.1, NM_001408446.1 and 6 more transcripts); c.785-901C>G (NM_001408392.1, NM_001407986.1, NM_001408400.1 and 13 more transcripts); c.3385C>G, p.Gln1129Glu (NM_001407571.1, NM_001407853.1, NM_001407894.1 and 9 more transcripts); and 41 more; short protein forms Q1032E, Q1112E, Q1174E, Q1200E, Q1089E, Q1129E, Q1159E, Q1173E.
Identifiers: ClinVar variation 3634647 (VCV003634647.2).
Genomic context (GRCh38, chr17:43,091,933, plus strand): 5'-CCTCACTAGATAAGTTCTCTTCTGAGGACTCTAATTTCTTGGCCCCTCTTCGGTAACCCT[G>C]AGCCAAATGTGTATGGGTGAAAGGGCTAGGACTCCTGCTAAGCTCTCCTTTCTGGACGCT-3'
Protein context (NP_009225.1, residues 1190-1210): PSPFTHTHLA[Gln1200Glu]GYRRGAKKLE

ClinVar aggregate classification (germline): Uncertain significance (1 of 4 stars; one submission).

Conditions:
Hereditary breast ovarian cancer syndrome. Also called: Hereditary breast and ovarian cancer syndrome; Hereditary breast and ovarian cancer syndrome (HBOC); BRCA1- and BRCA2-Associated Hereditary Breast and Ovarian Cancer; Hereditary breast and ovarian cancer; Breast and ovarian cancer; Hereditary breast and/or ovarian cancer syndrome. Identifiers: Orphanet 145, MedGen C0677776, MeSH D061325, MONDO:0003582. Disease mechanism: loss of function.

Submission:

Labcorp Genetics (formerly Invitae), Labcorp
Classification: Uncertain significance for Hereditary breast ovarian cancer syndrome. Last evaluated: 2024-03-04. Review status: criteria provided, single submitter. Criteria: Invitae Variant Classification Sherloc (09022015). Collection method: clinical testing. Allele origin: germline.
Comment: This sequence change replaces glutamine, which is neutral and polar, with glutamic acid, which is acidic and polar, at codon 1200 of the BRCA1 protein (p.Gln1200Glu). This variant is not present in population databases (gnomAD no frequency). This variant has not been reported in the literature in individuals affected with BRCA1-related conditions. Advanced modeling of protein sequence and biophysical properties (such as structural, functional, and spatial information, amino acid conservation, physicochemical variation, residue mobility, and thermodynamic stability) performed at Invitae indicates that this missense variant is not expected to disrupt BRCA1 protein function with a negative predictive value of 95%. In summary, the available evidence is currently insufficient to determine the role of this variant in disease. Therefore, it has been classified as a Variant of Uncertain Significance.